The following is an entry in ClinVar:

ClinVar aggregate classification (germline): Likely benign (0 of 4 stars; one submission).

Conditions:
PLXNA3-related disorder. Also called: PLXNA3-related condition.

Allele frequency attached by ClinVar (database versions not stated): gnomAD 0.00009; ExAC 0.00018; TOPMed 0.00018; 1000 Genomes Project 30x 0.00021; 1000 Genomes Project 0.00026.
gnomAD v4.1: 214 of 1,200,235 alleles (0.018%); highest among the groups gnomAD compares: Middle Eastern, 1.2%; 1 homozygote.

Submission:

PreventionGenetics, part of Exact Sciences
Classification: Likely benign for PLXNA3-related condition. Last evaluated: 2019-08-12. Review status: no assertion criteria provided. Collection method: clinical testing. Allele origin: germline.
Comment: This variant is classified as likely benign based on ACMG/AMP sequence variant interpretation guidelines (Richards et al. 2015 PMID: 25741868, with internal and published modifications).

NM_017514.5(PLXNA3):c.1098C>T (p.Pro366=)

Gene: PLXNA3 (plexin A3; plus strand). Cytogenetic location: Xq28.
Variant type: single nucleotide variant.
Coding change: c.1098C>T on transcript NM_017514.5 (MANE Select); coding-DNA position 1098, C replaced by T.
Protein change: p.Pro366=; no amino-acid change (proline 366 retained).
Molecular consequence: synonymous variant.
Genome position (GRCh38, 1-based): chrX:154,461,602, C>T. VCF-style: chrX-154461602-C-T. GRCh37 (hg19) VCF-style: chrX-153689942-C-T.
Identifiers: ClinVar variation 3034709 (VCV003034709.2), dbSNP rs782760823, ClinGen allele CA10563901.